The following is an entry in ClinVar:

ClinVar aggregate classification (germline): Uncertain significance (1 of 4 stars; one submission).

Conditions:
Combined immunodeficiency due to DOCK8 deficiency (HIES2). Also called: HIES autosomal recessive; Hyper-IgE recurrent infection syndrome, autosomal recessive; DOCK8 Deficiency; HYPER-IgE RECURRENT INFECTION SYNDROME 2, AUTOSOMAL RECESSIVE; HYPER-IgE SYNDROME 2, AUTOSOMAL RECESSIVE, WITH RECURRENT INFECTIONS. Identifiers: Orphanet 217390, MedGen C4722305, MONDO:0009478, OMIM 243700.

Submission:

Labcorp Genetics (formerly Invitae), Labcorp
Classification: Uncertain significance for Combined immunodeficiency due to DOCK8 deficiency. Last evaluated: 2022-10-19. Review status: criteria provided, single submitter. Criteria: Invitae Variant Classification Sherloc (09022015). Collection method: clinical testing. Allele origin: germline.
Comment: This variant is a gross deletion of the genomic region encompassing exon(s) 5-7 of the DOCK8 gene. This variant would be expected to be in-frame, preserving the integrity of the reading frame. This variant has not been reported in the literature in individuals affected with DOCK8-related conditions. Experimental studies and prediction algorithms are not available or were not evaluated, and the functional significance of this variant is currently unknown. In summary, the available evidence is currently insufficient to determine the role of this variant in disease. Therefore, it has been classified as a Variant of Uncertain Significance.

NC_000009.11:g.(?_304561)_(317148_?)del

Gene: DOCK8 (dedicator of cytokinesis 8; plus strand). Cytogenetic location: 9p24.3.
Variant type: Deletion.
Identifiers: ClinVar variation 2427704 (VCV002427704.7).